The following is an entry in ClinVar:

NM_003072.5(SMARCA4):c.4171-1791T>A

Gene: SMARCA4 (SWI/SNF related BAF chromatin remodeling complex subunit ATPase 4; plus strand). Cytogenetic location: 19p13.2.
Variant type: single nucleotide variant.
Coding change: c.4171-1791T>A on transcript NM_003072.5 (MANE Select); 1791 bases into the intron before coding-DNA position 4171, T replaced by A.
Molecular consequence: intron variant. On other transcripts: missense variant (1).
Genome position (GRCh38, 1-based): chr19:11,039,516, T>A. VCF-style: chr19-11039516-T-A. GRCh37 (hg19) VCF-style: chr19-11150192-T-A.
Other names: c.4229T>A, p.Phe1410Tyr (NM_001128849.3); c.4171-1791T>A (NM_001128844.3); c.4072-1791T>A (NM_001128847.4, NM_001374457.1, NM_001128848.2); c.4072-1782T>A (NM_001128845.2, NM_001128846.2); short protein forms F1410Y.
Identifiers: ClinVar variation 951338 (VCV000951338.10), dbSNP rs1391604700, ClinGen allele CA404071608.
Genomic context (GRCh38, chr19:11,039,516, plus strand): 5'-AGAAAATTACAGGAAAAGATATCCATGACACAGCCAGCAGTGTGGCACGTGGGCTACAAT[T>A]CCAGCGTGGCCTTCAGTTCTGCACACGTGCGTCAAAGGTGGGGAGAGTTCTGGTGGTGGG-3'

ClinVar aggregate classification (germline): Uncertain significance. Review status: criteria provided, multiple submitters, no conflicts (2 of 4 stars). 2 submissions from 2 submitters: Uncertain significance (2). Last evaluated 2021-09-10.

Conditions:
Hereditary cancer-predisposing syndrome. Also called: Tumor predisposition; Hereditary neoplastic syndrome; Neoplastic Syndromes, Hereditary; Hereditary Cancer Syndrome. Identifiers: Orphanet 140162, MedGen C0027672, MeSH D009386, MONDO:0015356.
Rhabdoid tumor predisposition syndrome 2 (RTPS2). Identifiers: Orphanet 231108, Orphanet 69077, MedGen C2750074, MONDO:0013224, OMIM 613325.

Submissions (2):

Labcorp Genetics (formerly Invitae), Labcorp
Classification: Uncertain significance for Rhabdoid tumor predisposition syndrome 2. Last evaluated: 2021-09-10. Review status: criteria provided, single submitter. Criteria: Invitae Variant Classification Sherloc (09022015). Collection method: clinical testing. Allele origin: germline.
Comment: This variant is not present in population databases (ExAC no frequency). In summary, the available evidence is currently insufficient to determine the role of this variant in disease. Therefore, it has been classified as a Variant of Uncertain Significance. Algorithms developed to predict the effect of missense changes on protein structure and function (SIFT, PolyPhen-2, Align-GVGD) all suggest that this variant is likely to be tolerated. This variant has not been reported in the literature in individuals affected with SMARCA4-related conditions. This sequence change replaces phenylalanine with tyrosine at codon 1410 of the SMARCA4 protein (p.Phe1410Tyr). The phenylalanine residue is weakly conserved and there is a small physicochemical difference between phenylalanine and tyrosine.

Ambry Genetics
Classification: Uncertain significance for Hereditary cancer-predisposing syndrome. Last evaluated: 2021-04-13. Review status: criteria provided, single submitter. Criteria: Ambry Variant Classification Scheme 2023. Collection method: clinical testing. Allele origin: germline.
Comment: The p.F1410Y variant (also known as c.4229T>A), located in coding exon 29 of the SMARCA4 gene, results from a T to A substitution at nucleotide position 4229. The phenylalanine at codon 1410 is replaced by tyrosine, an amino acid with highly similar properties. This amino acid positionis not conserved on limited sequence alignment. In addition, this alteration is predicted to be tolerated by in silico analysis. Missense and in-frame variants in SMARCA4 are known to cause neurodevelopmental disorders; however, such associations with rhabdoid tumor predisposition syndrome including small cell carcinoma of the ovary-hypercalcemic type (SCCOHT) are exceedingly rare (Kosho T et al. Am J Med Genet C Semin Med Genet. 2014 Sep;166C(3):262-75; Jelinic P et al. Nat Genet. 2014 May;46(5):424-6). Based on the supporting evidence, the association of this alteration with Coffin-Siris syndrome is unknown; however, the association of this alteration with rhabdoid tumor predisposition syndrome is unlikely.